The following is an entry in ClinVar:

NM_000384.3(APOB):c.10807C>G (p.His3603Asp)

Gene: APOB (apolipoprotein B; minus strand). Cytogenetic location: 2p24.1.
Variant type: single nucleotide variant.
Coding change: c.10807C>G on transcript NM_000384.3 (MANE Select); coding-DNA position 10807, C replaced by G.
Protein change: p.His3603Asp; replaces histidine 3603 with aspartic acid.
Molecular consequence: missense variant.
Genome position (GRCh38, 1-based): chr2:21,006,061, G>C on the plus strand (C>G on the coding strand, the complement: APOB is on the minus strand). VCF-style: chr2-21006061-G-C. GRCh37 (hg19) VCF-style: chr2-21228933-G-C.
Other names: short protein forms H3603D.
Identifiers: ClinVar variation 4862894 (VCV004862894.2).

ClinVar aggregate classification (germline): Uncertain significance (1 of 4 stars; one submission).

Conditions:
Cardiovascular phenotype. Identifiers: MedGen CN230736.

Submission:

Ambry Genetics
Classification: Uncertain significance for Cardiovascular phenotype. Last evaluated: 2026-09-11. Review status: criteria provided, single submitter. Criteria: Ambry Variant Classification Scheme 2023. Collection method: clinical testing. Allele origin: germline.
Comment: The p.H3603D variant (also known as c.10807C>G), located in coding exon 26 of the APOB gene, results from a C to G substitution at nucleotide position 10807. The histidine at codon 3603 is replaced by aspartic acid, an amino acid with similar properties. This amino acid position is conserved. In addition, this alteration is predicted to be tolerated by in silico analysis. Based on the available evidence, the clinical significance of this variant remains unclear.